The following is an entry in ClinVar:

NM_018117.12(WDR11):c.1079G>A (p.Ser360Asn)

Gene: WDR11 (WD repeat domain 11; plus strand). Cytogenetic location: 10q26.12.
Variant type: single nucleotide variant.
Coding change: c.1079G>A on transcript NM_018117.12 (MANE Select); coding-DNA position 1079, G replaced by A.
Protein change: p.Ser360Asn; replaces serine 360 with asparagine.
Molecular consequence: missense variant.
Genome position (GRCh38, 1-based): chr10:120,866,653, G>A. VCF-style: chr10-120866653-G-A. GRCh37 (hg19) VCF-style: chr10-122626165-G-A.
Other names: short protein forms S360N.
Identifiers: ClinVar variation 1895464 (VCV001895464.3), dbSNP rs2493270915, ClinGen allele CA378324041.
Genomic context (GRCh38, chr10:120,866,653, plus strand): 5'-CCTATGATTTACGAAGCCAGTGTGATGCAATCAGGGTGACAAAAACCGTCCGTCCCTTCA[G>A]TATGGTGTGCTGTCCTGTCAATGAGAATGCAGCCGCCCTCGTAGTGAGTGATGGCAGGGT-3'
Protein context (NP_060587.8, residues 350-370): IRVTKTVRPF[Ser360Asn]MVCCPVNENA

ClinVar aggregate classification (germline): Uncertain significance (1 of 4 stars; one submission).

Conditions:
Hypogonadotropic hypogonadism 14 with or without anosmia (HH14). Also called: HYPOGONADOTROPIC HYPOGONADISM 14 WITHOUT ANOSMIA. Identifiers: Orphanet 478, MedGen C3540450, MONDO:0013926, OMIM 614858.

Submission:

Department of Medical Genomics, Royal Prince Alfred Hospital
Classification: Uncertain significance for Hypogonadotropic hypogonadism 14 with or without anosmia. Last evaluated: 2023-01-20. Review status: criteria provided, single submitter. Criteria: ACMG Guidelines, 2015. Collection method: clinical testing. Allele origin: unknown. Affected: yes. Observed: 1 heterozygote.
Comment: This rare variant has not been observed in control population database (gnomAD). The missense variation is located within a WD repeat domain, however in silico analysis by REVEL did not predict a pathogenic effect (score 0.121). The current evidence allows a classification of variant of uncertain significance (ACMG criteria: PM2_supporting, BP4).